The following is an entry in ClinVar:

NM_004187.5(KDM5C):c.3962C>G (p.Pro1321Arg)

Gene: KDM5C (lysine demethylase 5C; minus strand). Cytogenetic location: Xp11.22.
Variant type: single nucleotide variant.
Coding change: c.3962C>G on transcript NM_004187.5 (MANE Select); coding-DNA position 3962, C replaced by G.
Protein change: p.Pro1321Arg; replaces proline 1321 with arginine.
Molecular consequence: missense variant. On other transcripts: non-coding transcript variant (3).
Genome position (GRCh38, 1-based): chrX:53,194,215, G>C on the plus strand (C>G on the coding strand, the complement: KDM5C is on the minus strand). VCF-style: chrX-53194215-G-C. GRCh37 (hg19) VCF-style: chrX-53223397-G-C.
Other names: c.3761C>G, p.Pro1254Arg (NM_001146702.2); c.3959C>G, p.Pro1320Arg (NM_001282622.3, NM_001353979.2, NM_001353982.2); c.3962C>G, p.Pro1321Arg (NM_001353978.3, NM_001353981.2, NM_001353984.2); c.3962C>G (NM_004187.2); short protein forms P1254R, P1320R, P1321R.
Identifiers: ClinVar variation 2433068 (VCV002433068.4), dbSNP rs782793591, ClinGen allele CA413106158.

ClinVar aggregate classification (germline): Uncertain significance. Review status: criteria provided, multiple submitters, no conflicts (2 of 4 stars). 2 submissions from 2 submitters: Uncertain significance (2). Last evaluated 2023-11-08.

Conditions:
Intellectual developmental disorder, X-linked, syndromic, Claes-Jensen type. Also called: INTELLECTUAL DEVELOPMENTAL DISORDER, X-LINKED, SYNDROMIC 16; MENTAL RETARDATION, X-LINKED, SYNDROMIC 16; Syndromic X-linked intellectual disability Claes-Jensen type. Identifiers: Orphanet 85279, MedGen C1845243, MONDO:0010355, OMIM 300534.

gnomAD v4.1: 19 of 1,210,344 alleles (0.0016%); highest among the groups gnomAD compares: Non-Finnish European, 0.002%; no homozygotes.

Submissions (2):

GeneDx
Classification: Uncertain significance. Last evaluated: 2023-11-08. Review status: criteria provided, single submitter. Criteria: GeneDx Variant Classification Process June 2021. Collection method: clinical testing. Allele origin: germline. Affected: yes.
Comment: Not observed at significant frequency in large population cohorts (gnomAD); In silico analysis supports that this missense variant does not alter protein structure/function; Has not been previously published as pathogenic or benign to our knowledge

Revvity Omics, Revvity
Classification: Uncertain significance for Intellectual developmental disorder, X-linked, syndromic, Claes-Jensen type. Last evaluated: 2021-12-15. Review status: criteria provided, single submitter. Criteria: ACMG Guidelines, 2015. Collection method: clinical testing. Allele origin: germline.